The following is an entry in ClinVar:

ClinVar aggregate classification (germline): Uncertain significance (1 of 4 stars; one submission).

Conditions:
Baller-Gerold syndrome (BGS). Also called: CRANIOSYNOSTOSIS WITH RADIAL DEFECTS. Identifiers: Orphanet 1225, MedGen C0265308, MONDO:0009039, OMIM 218600.

Allele frequency attached by ClinVar (database versions not stated): gnomAD exomes 0.00002.

Submission:

Labcorp Genetics (formerly Invitae), Labcorp
Classification: Uncertain significance for Baller-Gerold syndrome. Last evaluated: 2025-11-10. Review status: criteria provided, single submitter. Criteria: Invitae Variant Classification Sherloc (09022015). Collection method: clinical testing. Allele origin: germline.
Comment: This sequence change replaces glycine, which is neutral and non-polar, with aspartic acid, which is acidic and polar, at codon 351 of the RECQL4 protein (p.Gly351Asp). This variant is not present in population databases (gnomAD no frequency). This variant has not been reported in the literature in individuals affected with RECQL4-related conditions. ClinVar contains an entry for this variant (Variation ID: 2157458). Invitae Evidence Modeling of protein sequence and biophysical properties (such as structural, functional, and spatial information, amino acid conservation, physicochemical variation, residue mobility, and thermodynamic stability) indicates that this missense variant is not expected to disrupt RECQL4 protein function with a negative predictive value of 80%. In summary, the available evidence is currently insufficient to determine the role of this variant in disease. Therefore, it has been classified as a Variant of Uncertain Significance.

NM_004260.4(RECQL4):c.1052G>A (p.Gly351Asp)

Gene: RECQL4 (RecQ like helicase 4; minus strand). Cytogenetic location: 8q24.3.
Variant type: single nucleotide variant.
Coding change: c.1052G>A on transcript NM_004260.4 (MANE Select); coding-DNA position 1052, G replaced by A.
Protein change: p.Gly351Asp; replaces glycine 351 with aspartic acid.
Molecular consequence: missense variant.
Genome position (GRCh38, 1-based): chr8:144,516,067, C>T on the plus strand (G>A on the coding strand, the complement: RECQL4 is on the minus strand). VCF-style: chr8-144516067-C-T. GRCh37 (hg19) VCF-style: chr8-145741451-C-T.
Other names: c.-20G>A (NM_001413021.1, NM_001413022.1, NM_001413023.1 and 8 more transcripts); c.923G>A, p.Gly308Asp (NM_001413025.1); c.-82G>A (NM_001413027.1, NM_001413030.1, NM_001413031.1 and 2 more transcripts); c.701G>A, p.Gly234Asp (NM_001413029.1); c.1052G>A, p.Gly351Asp (NM_001413033.1, NM_001413036.1, NM_001413039.1 and 2 more transcripts); c.-289G>A (NM_001413043.1); c.956G>A, p.Gly319Asp (NM_001413017.1, NM_001413020.1); short protein forms G319D, G234D, G308D, G351D.
Identifiers: ClinVar variation 2157458 (VCV002157458.4), dbSNP rs1048930559, ClinGen allele CA372688217.
Genomic context (GRCh38, chr8:144,516,067, plus strand): 5'-CTACGGAGTGCCCGGCCCCGCACGTAGTGTTTCTGCTTCATGTTGAGCCGTACGTAATTG[C>T]CCCTGTCATGGCGGGCCAGCCGAGGGAAGATGTGCAGGGGGGCTGTGCCCTCAGCCTTCC-3'
Protein context (NP_004251.4, residues 341-361): IFPRLARHDR[Gly351Asp]NYVRLNMKQK